The following is an entry in ClinVar:

ClinVar aggregate classification (germline): Pathogenic. Review status: reviewed by expert panel (3 of 4 stars). 2 submissions from 2 submitters: Pathogenic (1). 1 of the submissions does not count toward it. Last evaluated 2018-04-01.

Conditions:
Familial cancer of breast. Also called: BREAST CANCER, FAMILIAL; Hereditary breast cancer; hereditary breast carcinoma. Identifiers: Orphanet 227535, MedGen C0346153, MONDO:0016419, OMIM 114480. Disease mechanism: loss of function.
Breast-ovarian cancer, familial, susceptibility to, 2 (BROVCA2). Also called: BRCA2 Hereditary Breast and Ovarian Cancer. Identifiers: Orphanet 145, MedGen C2675520, MONDO:0012933, OMIM 612555. Disease mechanism: loss of function.

Submissions (2):

Evidence-based Network for the Interpretation of Germline Mutant Alleles (ENIGMA)
Classification: Pathogenic for Breast-ovarian cancer, familial, susceptibility to, 2. Last evaluated: 2018-04-01. Review status: reviewed by expert panel. Criteria: ENIGMA BRCA1/2 Classification Criteria (2017-06-29). Collection method: curation. Allele origin: germline.
Comment: Complete skipping of exon 3 (r.68_316del) in a minigene splicing assay. Molecular consequence is the same as other variants designated as pathogenic as determined by multifactorial likelihood analysis (PMID: 29707112). Specifically, pathogenic consequence of the in-frame transcript without exon 3 has been shown in another family with a deletion of this exon, by co-segregation analysis with LR >1300:1 in favour of pathogenicity (PMID: 29707112).

ClinVar Staff, National Center for Biotechnology Information (NCBI)
No classification provided. Condition: Familial cancer of breast. Review status: no classification provided. Collection method: literature only. Allele origin: germline. Affected: yes. Not counted in ClinVar's aggregate classification.

Literature cited by the submitters: PubMed 29707112 (cited by Evidence-based Network for the Interpretation of Germline Mutant Alleles (ENIGMA)); PubMed 22762150 (cited by ClinVar Staff, National Center for Biotechnology Information (NCBI)).

NM_000059.4(BRCA2):c.316+4del

Gene: BRCA2 (BRCA2 DNA repair associated; plus strand). Cytogenetic location: 13q13.1.
Variant type: Deletion.
Coding change: c.316+4del on transcript NM_000059.4 (MANE Select); 4 bases into the intron after coding-DNA position 316, one base deleted (A; older notation c.316+4delA).
Molecular consequence: intron variant.
Genome position (GRCh38, 1-based): chr13:32,319,329, A deleted; the last of 2 consecutive A bases (chr13:32,319,328-32,319,329); deleting either gives the same sequence. VCF-style (leftmost placement, unchanged base first): chr13-32319327-TA-T. GRCh37 (hg19) VCF-style: chr13-32893464-TA-T.
Other names: c.316+4delA (NM_000059.3).
Identifiers: ClinVar variation 51408 (VCV000051408.4), dbSNP rs397507656, ClinGen allele CA017376.